The following is an entry in ClinVar:

NM_152641.4(ARID2):c.5419G>T (p.Ala1807Ser)

Gene: ARID2 (AT-rich interaction domain 2; plus strand). Cytogenetic location: 12q12.
Variant type: single nucleotide variant.
Coding change: c.5419G>T on transcript NM_152641.4 (MANE Select); coding-DNA position 5419, G replaced by T.
Protein change: p.Ala1807Ser; replaces alanine 1807 with serine.
Molecular consequence: missense variant.
Genome position (GRCh38, 1-based): chr12:45,904,989, G>T. VCF-style: chr12-45904989-G-T. GRCh37 (hg19) VCF-style: chr12-46298772-G-T.
Other names: short protein forms A1807S.
Identifiers: ClinVar variation 3781169 (VCV003781169.1).

ClinVar aggregate classification (germline): Uncertain significance (1 of 4 stars; one submission).

gnomAD v4.1: 2 of 1,613,856 alleles (0.00012%); highest among the groups gnomAD compares: Non-Finnish European, 0.000085%; no homozygotes.

Submission:

GeneDx
Classification: Uncertain significance. Last evaluated: 2024-10-16. Review status: criteria provided, single submitter. Criteria: GeneDx Variant Classification Process June 2021. Collection method: clinical testing. Allele origin: germline. Affected: yes.
Comment: Not observed at significant frequency in large population cohorts (gnomAD); In silico analysis indicates that this missense variant does not alter protein structure/function; Has not been previously published as pathogenic or benign to our knowledge